The following is an entry in ClinVar:

ClinVar aggregate classification (germline): Uncertain significance (1 of 4 stars; one submission).

Submission:

Women's Health and Genetics/Laboratory Corporation of America, LabCorp
Classification: Uncertain significance. Last evaluated: 2023-09-21. Review status: criteria provided, single submitter. Criteria: LabCorp Variant Classification Summary - May 2015. Collection method: clinical testing. Allele origin: germline.
Comment: Variant summary: The variant identified by MLPA or other technology involves the duplication of exon 6 in the CAMTA1 gene. A presumed nomenclature of c.(438+1_439-1)_(510+1_511-1)dup has been designated for the purposes of this classification. It has been assumed that this is a tandem duplication in direct orientation (Richardson_GIM_2018, Newman_AJHG_2015). Although exact breakpoints of this duplication are not known, it is expected to result in a large in-frame duplication change (amino acids 147-170, i.e. duplication of 24 amino acids) in the CAMTA1 gene, which affects the highly conserved CG-1 DNA-binding domain (amino acids 63-188; IPR005559). The variant was absent in 21614 control chromosomes in the gnomAD database, structural variants dataset. The available data on variant occurrences in the general population are insufficient to allow any conclusion about variant significance. To our knowledge, no experimental evidence demonstrating an impact on protein function has been reported. However, a recent study identified several conserved amino acid residues in the DNA-binding (CG-1) domain of CAMTAs necessary for DNA-binding- and transcriptional activities (PMID 37566065), supporting a functional importance for the affected protein region. One submitter has reported a similar duplication in ClinVar, and has classified the variant as likely benign, noting a positive affected status (but without providing phenotype details) in their submission. Based on the evidence outlined above, the variant was classified as VUS-possibly pathogenic.

NC_000001.10:g.(7309687_7527889)_(7527962_7700459)dup

Gene: CAMTA1 (calmodulin binding transcription activator 1; plus strand). Cytogenetic location: 1p36.23.
Variant type: Duplication.
Identifiers: ClinVar variation 2627295 (VCV002627295.1).